The following is an entry in ClinVar:

NM_004208.4(AIFM1):c.658A>G (p.Ile220Val)

Genes: AIFM1 (apoptosis inducing factor mitochondria associated 1; minus strand), RAB33A (RAB33A, member RAS oncogene family; plus strand). Cytogenetic location: Xq26.1.
Variant type: single nucleotide variant.
Coding change: c.658A>G on transcript NM_004208.4 (MANE Select); coding-DNA position 658, A replaced by G.
Protein change: p.Ile220Val; replaces isoleucine 220 with valine.
Molecular consequence: missense variant. On other transcripts: non-coding transcript variant (1).
Genome position (GRCh38, 1-based): chrX:130,145,517, T>C on the plus strand (A>G on the coding strand, the complement: AIFM1 is on the minus strand). VCF-style: chrX-130145517-T-C. GRCh37 (hg19) VCF-style: chrX-129279492-T-C.
Other names: c.658A>G, p.Ile220Val (NM_001130847.4); c.646A>G, p.Ile216Val (NM_145812.3); short protein forms I220V, I216V.
Identifiers: ClinVar variation 2317764 (VCV002317764.3), dbSNP rs1401311814, ClinGen allele CA414586797.

ClinVar aggregate classification (germline): Uncertain significance. Review status: criteria provided, multiple submitters, no conflicts (2 of 4 stars). 2 submissions from 2 submitters: Uncertain significance (2). Last evaluated 2025-03-30.

Conditions:
Inborn genetic diseases. Identifiers: MedGen C0950123, MeSH D030342.
AIFM1-related disorder. Also called: AIFM1-related condition.

Allele frequency attached by ClinVar (database versions not stated): gnomAD 0.00001; TOPMed 0.00001.
gnomAD v4.1: 1 of 1,208,296 alleles (0.000083%); highest among the groups gnomAD compares: Non-Finnish European, 0.00011%; no homozygotes.

Submissions (2):

PreventionGenetics, part of Exact Sciences
Classification: Uncertain significance for AIFM1-related condition. Last evaluated: 2025-03-30. Review status: criteria provided, single submitter. Criteria: ACMG Guidelines, 2015. Collection method: clinical testing. Allele origin: germline.
Comment: The AIFM1 c.658A>G variant is predicted to result in the amino acid substitution p.Ile220Val. To our knowledge, this variant has not been reported in the literature or in a large population database (gnomAD), indicating this variant is rare. At this time, the clinical significance of this variant is uncertain due to the absence of conclusive functional and genetic evidence.

Ambry Genetics
Classification: Uncertain significance for Inborn genetic diseases. Last evaluated: 2022-10-06. Review status: criteria provided, single submitter. Criteria: Ambry Variant Classification Scheme 2023. Collection method: clinical testing. Allele origin: germline.